The following is an entry in ClinVar:

NM_001367624.2(ZNF469):c.1095G>T (p.Pro365=)

Gene: ZNF469 (zinc finger protein 469; plus strand). Cytogenetic location: 16q24.2.
Variant type: single nucleotide variant.
Coding change: c.1095G>T on transcript NM_001367624.2 (MANE Select); coding-DNA position 1095, G replaced by T.
Protein change: p.Pro365=; no amino-acid change (proline 365 retained).
Molecular consequence: synonymous variant.
Genome position (GRCh38, 1-based): chr16:88,428,565, G>T. VCF-style: chr16-88428565-G-T. GRCh37 (hg19) VCF-style: chr16-88494973-G-T.
Other names: NM_001127464.1:c.1095G>T; p.Pro365=.
Identifiers: ClinVar variation 509997 (VCV000509997.6), dbSNP rs534477237, ClinGen allele CA497352944.

ClinVar aggregate classification (germline): Likely benign. Review status: criteria provided, multiple submitters, no conflicts (2 of 4 stars). 4 submissions from 4 submitters: Likely benign (4). Last evaluated 2024-12-18.

Conditions:
Cardiovascular phenotype. Identifiers: MedGen CN230736.

gnomAD v4.1: 1 of 1,550,146 alleles (0.000065%); highest among the groups gnomAD compares: Non-Finnish European, 0.000087%; no homozygotes.

Submissions (4):

Mayo Clinic Laboratories, Mayo Clinic
Classification: Likely benign. Last evaluated: 2024-12-18. Review status: criteria provided, single submitter. Criteria: ACMG Guidelines, 2015. Collection method: clinical testing. Allele origin: germline. Observed: 1 variant allele.
Comment: BP4, BP7, PM2_supporting

Ambry Genetics
Classification: Likely benign for Cardiovascular phenotype. Last evaluated: 2024-05-02. Review status: criteria provided, single submitter. Criteria: Ambry Variant Classification Scheme 2023. Collection method: clinical testing. Allele origin: germline.

Labcorp Genetics (formerly Invitae), Labcorp
Classification: Likely benign. Last evaluated: 2023-10-26. Review status: criteria provided, single submitter. Criteria: Invitae Variant Classification Sherloc (09022015). Collection method: clinical testing. Allele origin: germline.

GeneDx
Classification: Likely benign. Last evaluated: 2017-06-19. Review status: criteria provided, single submitter. Criteria: GeneDx Variant Classification (06012015). Collection method: clinical testing. Allele origin: germline. Affected: yes.
Comment: This variant is considered likely benign or benign based on one or more of the following criteria: it is a conservative change, it occurs at a poorly conserved position in the protein, it is predicted to be benign by multiple in silico algorithms, and/or has population frequency not consistent with disease.